The following is an entry in ClinVar:

NM_005334.3(HCFC1):c.4790C>T (p.Ala1597Val)

Gene: HCFC1 (host cell factor C1; minus strand). Cytogenetic location: Xq28.
Variant type: single nucleotide variant.
Coding change: c.4790C>T on transcript NM_005334.3 (MANE Select); coding-DNA position 4790, C replaced by T.
Protein change: p.Ala1597Val; replaces alanine 1597 with valine.
Molecular consequence: missense variant.
Genome position (GRCh38, 1-based): chrX:153,952,666, G>A on the plus strand (C>T on the coding strand, the complement: HCFC1 is on the minus strand). VCF-style: chrX-153952666-G-A. GRCh37 (hg19) VCF-style: chrX-153218117-G-A.
Other names: short protein forms A1597V.
Identifiers: ClinVar variation 972470 (VCV000972470.4), dbSNP rs372010656, ClinGen allele CA10556908.

ClinVar aggregate classification (germline): Uncertain significance. Review status: criteria provided, multiple submitters, no conflicts (2 of 4 stars). 2 submissions from 2 submitters: Uncertain significance (2). Last evaluated 2024-12-23.

Conditions:
Methylmalonic acidemia with homocystinuria, type cblX (MAHCX). Also called: INTELLECTUAL DEVELOPMENTAL DISORDER, X-LINKED 3. Identifiers: Orphanet 369962, MedGen C0796208, MONDO:0010657, OMIM 309541.
Intellectual disability. Also called: intellectual disabilities; Intellectual developmental disorder; Intellectual functioning disability. Identifiers: MedGen C3714756, MeSH D008607, MONDO:0001071, HP:0001249.

Allele frequency attached by ClinVar (database versions not stated): TOPMed 0.00002; ESP Exome Variant Server 0.00010; gnomAD 0.00001; gnomAD exomes 0.00001 and 0.00008.
gnomAD v4.1: 91 of 1,210,577 alleles (0.0075%); highest among the groups gnomAD compares: Non-Finnish European, 0.0097%; no homozygotes.

Submissions (2):

Labcorp Genetics (formerly Invitae), Labcorp
Classification: Uncertain significance for Methylmalonic acidemia with homocystinuria, type cblX. Last evaluated: 2024-12-23. Review status: criteria provided, single submitter. Criteria: Invitae Variant Classification Sherloc (09022015). Collection method: clinical testing. Allele origin: germline.
Comment: This sequence change replaces alanine, which is neutral and non-polar, with valine, which is neutral and non-polar, at codon 1597 of the HCFC1 protein (p.Ala1597Val). This variant is present in population databases (rs372010656, gnomAD 0.001%). This variant has not been reported in the literature in individuals affected with HCFC1-related conditions. ClinVar contains an entry for this variant (Variation ID: 972470). Invitae Evidence Modeling of protein sequence and biophysical properties (such as structural, functional, and spatial information, amino acid conservation, physicochemical variation, residue mobility, and thermodynamic stability) indicates that this missense variant is not expected to disrupt HCFC1 protein function with a negative predictive value of 80%. In summary, the available evidence is currently insufficient to determine the role of this variant in disease. Therefore, it has been classified as a Variant of Uncertain Significance.

Cambridge Genomics Laboratory, East Genomic Laboratory Hub, NHS Genomic Medicine Service
Classification: Uncertain significance for Intellectual disability. Last evaluated: 2019-10-24. Review status: criteria provided, single submitter. Criteria: ACGS Best Practice Guidelines for Variant Classification in Rare Disease 2020. Collection method: clinical testing. Allele origin: germline. Affected: yes. Observed: 1 variant allele.